The following is an entry in ClinVar:

NM_002454.3(MTRR):c.652A>G (p.Asn218Asp)

Gene: MTRR (5-methyltetrahydrofolate-homocysteine methyltransferase reductase; plus strand). Cytogenetic location: 5p15.31.
Variant type: single nucleotide variant.
Coding change: c.652A>G on transcript NM_002454.3 (MANE Select); coding-DNA position 652, A replaced by G.
Protein change: p.Asn218Asp; replaces asparagine 218 with aspartic acid.
Molecular consequence: missense variant. On other transcripts: non-coding transcript variant (14).
Genome position (GRCh38, 1-based): chr5:7,878,194, A>G. VCF-style: chr5-7878194-A-G. GRCh37 (hg19) VCF-style: chr5-7878307-A-G.
Other names: c.652A>G, p.Asn218Asp (NM_001364440.2, NM_001364441.2, NM_001364442.2 and 1 more transcripts); short protein forms N218D.
Identifiers: ClinVar variation 2150753 (VCV002150753.1), dbSNP rs1450756143, ClinGen allele CA359157187.
Genomic context (GRCh38, chr5:7,878,194, plus strand): 5'-GATTCAGGAAGAAAGGATTCTGAGGTTTTGAAGCAAAATGCAGTGAACAGCAACCAATCC[A>G]ATGTTGTAATTGAAGACTTTGAGTCCTCACTTACCCGTTCGGTACCCCCACTCTCACAAG-3'
Protein context (NP_002445.2, residues 208-228): KQNAVNSNQS[Asn218Asp]VVIEDFESSL

ClinVar aggregate classification (germline): Uncertain significance (1 of 4 stars; one submission).

Conditions:
Methylcobalamin deficiency type cblE (HMAE). Also called: HOMOCYSTINURIA-MEGALOBLASTIC ANEMIA, cblE COMPLEMENTATION TYPE; VITAMIN B12-RESPONSIVE HOMOCYSTINURIA, cblE TYPE; HOMOCYSTINURIA-MEGALOBLASTIC ANEMIA, cblE TYPE. Identifiers: Orphanet 2169, Orphanet 622, MedGen C1856057, MONDO:0009354, OMIM 236270.

Submission:

Labcorp Genetics (formerly Invitae), Labcorp
Classification: Uncertain significance for Methylcobalamin deficiency type cblE. Last evaluated: 2022-07-21. Review status: criteria provided, single submitter. Criteria: Invitae Variant Classification Sherloc (09022015). Collection method: clinical testing. Allele origin: germline.
Comment: This sequence change replaces asparagine, which is neutral and polar, with aspartic acid, which is acidic and polar, at codon 218 of the MTRR protein (p.Asn218Asp). This variant is present in population databases (no rsID available, gnomAD 0.002%). This variant has not been reported in the literature in individuals affected with MTRR-related conditions. Algorithms developed to predict the effect of missense changes on protein structure and function (SIFT, PolyPhen-2, Align-GVGD) all suggest that this variant is likely to be tolerated. In summary, the available evidence is currently insufficient to determine the role of this variant in disease. Therefore, it has been classified as a Variant of Uncertain Significance.